The following is an entry in ClinVar:

NM_207361.6(FREM2):c.1223T>C (p.Phe408Ser)

Gene: FREM2 (FRAS1 related extracellular matrix 2; plus strand). Cytogenetic location: 13q13.3.
Variant type: single nucleotide variant.
Coding change: c.1223T>C on transcript NM_207361.6 (MANE Select); coding-DNA position 1223, T replaced by C.
Protein change: p.Phe408Ser; replaces phenylalanine 408 with serine.
Molecular consequence: missense variant.
Genome position (GRCh38, 1-based): chr13:38,688,567, T>C. VCF-style: chr13-38688567-T-C. GRCh37 (hg19) VCF-style: chr13-39262704-T-C.
Other names: short protein forms F408S.
Identifiers: ClinVar variation 3370583 (VCV003370583.2).

ClinVar aggregate classification (germline): Uncertain significance. Review status: criteria provided, multiple submitters, no conflicts (2 of 4 stars). 2 submissions from 2 submitters: Uncertain significance (2). Last evaluated 2025-08-26.

Conditions:
Inborn genetic diseases. Identifiers: MedGen C0950123, MeSH D030342.

Submissions (2):

Ambry Genetics
Classification: Uncertain significance for Inborn genetic diseases. Last evaluated: 2025-08-26. Review status: criteria provided, single submitter. Criteria: Ambry Variant Classification Scheme 2023. Collection method: clinical testing. Allele origin: germline.

GeneDx
Classification: Uncertain significance. Last evaluated: 2024-03-17. Review status: criteria provided, single submitter. Criteria: GeneDx Variant Classification Process June 2021. Collection method: clinical testing. Allele origin: germline. Affected: yes.
Comment: Not observed at significant frequency in large population cohorts (gnomAD); In silico analysis supports that this missense variant has a deleterious effect on protein structure/function; Has not been previously published as pathogenic or benign to our knowledge